The following is an entry in ClinVar:

ClinVar aggregate classification (germline): Pathogenic (1 of 4 stars; one submission).

Conditions:
Developmental and epileptic encephalopathy, 50 (DEE50). Also called: Epileptic encephalopathy, early infantile, 50. Identifiers: Orphanet 448010, MedGen C4225320, MONDO:0014647, OMIM 616457.

Submission:

Juno Genomics, Hangzhou Juno Genomics, Inc
Classification: Pathogenic for Developmental and epileptic encephalopathy, 50. Review status: criteria provided, single submitter. Criteria: ACMG Guidelines, 2015. Collection method: clinical testing. Allele origin: germline. Affected: yes.
Comment: Absent from controls (or at extremely low frequency if recessive) in Genome Aggregation Database, Exome Sequencing Project, 1000 Genomes Project, or Exome Aggregation Consortium.;Null variant in a gene where loss of function (LOF) is a known mechanism of disease.;Patient's phenotype or family history is highly specific for a disease with a single genetic etiology.

NM_004341.5(CAD):c.2953_2954del (p.Met985fs)

Gene: CAD (carbamoyl-phosphate synthetase 2, aspartate transcarbamylase, and dihydroorotase; plus strand). Cytogenetic location: 2p23.3.
Variant type: Deletion.
Coding change: c.2953_2954del on transcript NM_004341.5 (MANE Select); coding-DNA positions 2953 to 2954, 2 bases deleted (AT; older notation c.2953_2954delAT).
Protein change: p.Met985fs; shifts the reading frame from methionine 985.
Molecular consequence: frameshift variant.
Genome position (GRCh38, 1-based): chr2:27,233,102-27,233,103, AT deleted. VCF-style (leftmost placement, unchanged base first): chr2-27233101-CAT-C. GRCh37 (hg19) VCF-style: chr2-27455969-CAT-C.
Other names: c.2764_2765del, p.Met922fs (NM_001306079.2); short protein forms M922fs, M985fs.
Identifiers: ClinVar variation 3382954 (VCV003382954.2).